The following is an entry in ClinVar:

NM_020937.4(FANCM):c.3494C>T (p.Thr1165Ile)

Gene: FANCM (FA complementation group M; plus strand). Cytogenetic location: 14q21.2.
Variant type: single nucleotide variant.
Coding change: c.3494C>T on transcript NM_020937.4 (MANE Select); coding-DNA position 3494, C replaced by T.
Protein change: p.Thr1165Ile; replaces threonine 1165 with isoleucine.
Molecular consequence: missense variant.
Genome position (GRCh38, 1-based): chr14:45,176,248, C>T. VCF-style: chr14-45176248-C-T. GRCh37 (hg19) VCF-style: chr14-45645451-C-T.
Other names: c.3416C>T, p.Thr1139Ile (NM_001308133.2); short protein forms T1139I, T1165I.
Identifiers: ClinVar variation 5036598 (VCV005036598.1).

ClinVar aggregate classification (germline): Uncertain significance (1 of 4 stars; one submission).

Conditions:
Inborn genetic diseases. Identifiers: MedGen C0950123, MeSH D030342.

Submission:

Ambry Genetics
Classification: Uncertain significance for Inborn genetic diseases. Last evaluated: 2026-07-05. Review status: criteria provided, single submitter. Criteria: Ambry Variant Classification Scheme 2023. Collection method: clinical testing. Allele origin: germline.
Comment: The p.T1165I variant (also known as c.3494C>T), located in coding exon 14 of the FANCM gene, results from a C to T substitution at nucleotide position 3494. The threonine at codon 1165 is replaced by isoleucine, an amino acid with similar properties. This amino acid position is conserved. In addition, this alteration is predicted to be tolerated by in silico analysis. Based on the available evidence, the clinical significance of this variant remains unclear.